The following is an entry in ClinVar:

ClinVar aggregate classification (germline): Likely benign (0 of 4 stars; one submission).

Conditions:
PIEZO1-related disorder. Also called: PIEZO1-related condition; PIEZO1-Related Disorders.

Allele frequency attached by ClinVar (database versions not stated): gnomAD exomes 0.00002; TOPMed 0.00002; gnomAD 0.00003.
gnomAD v4.1: 38 of 1,479,072 alleles (0.0026%); highest among the groups gnomAD compares: Non-Finnish European, 0.0031%; no homozygotes.

Submission:

PreventionGenetics, part of Exact Sciences
Classification: Likely benign for PIEZO1-related condition. Last evaluated: 2021-11-23. Review status: no assertion criteria provided. Collection method: clinical testing. Allele origin: germline.
Comment: This variant is classified as likely benign based on ACMG/AMP sequence variant interpretation guidelines (Richards et al. 2015 PMID: 25741868, with internal and published modifications).

NM_001142864.4(PIEZO1):c.4137C>T (p.Gly1379=)

Gene: PIEZO1 (piezo type mechanosensitive ion channel component 1 (Er blood group); minus strand). Cytogenetic location: 16q24.3.
Variant type: single nucleotide variant.
Coding change: c.4137C>T on transcript NM_001142864.4 (MANE Select); coding-DNA position 4137, C replaced by T.
Protein change: p.Gly1379=; no amino-acid change (glycine 1379 retained).
Molecular consequence: synonymous variant.
Genome position (GRCh38, 1-based): chr16:88,725,441, G>A on the plus strand (C>T on the coding strand, the complement: PIEZO1 is on the minus strand). VCF-style: chr16-88725441-G-A. GRCh37 (hg19) VCF-style: chr16-88791849-G-A.
Other names: c.2679C>T, p.Gly893= (NM_014745.1).
Identifiers: ClinVar variation 3029503 (VCV003029503.2), dbSNP rs1030064594, ClinGen allele CA286412849.